The following is an entry in ClinVar:

ClinVar aggregate classification (germline): Uncertain significance (1 of 4 stars; one submission).

Conditions:
Inborn genetic diseases. Identifiers: MedGen C0950123, MeSH D030342.

gnomAD v4.1: 2 of 1,612,820 alleles (0.00012%); highest among the groups gnomAD compares: South Asian, 0.0011%; no homozygotes.

Submission:

Ambry Genetics
Classification: Uncertain significance for Inborn genetic diseases. Last evaluated: 2025-06-22. Review status: criteria provided, single submitter. Criteria: Ambry Variant Classification Scheme 2023. Collection method: clinical testing. Allele origin: germline.
Comment: The p.N306K variant (also known as c.918C>G), located in coding exon 5 of the ERCC6L2 gene, results from a C to G substitution at nucleotide position 918. The asparagine at codon 306 is replaced by lysine, an amino acid with similar properties. This amino acid position is conserved. In addition, the in silico prediction for this alteration is inconclusive. Based on the available evidence, the clinical significance of this variant remains unclear.

NM_020207.7(ERCC6L2):c.918C>G (p.Asn306Lys)

Gene: ERCC6L2 (ERCC excision repair 6 like 2; plus strand). Cytogenetic location: 9q22.32.
Variant type: single nucleotide variant.
Coding change: c.918C>G on transcript NM_020207.7 (MANE Select); coding-DNA position 918, C replaced by G.
Protein change: p.Asn306Lys; replaces asparagine 306 with lysine.
Molecular consequence: missense variant. On other transcripts: non-coding transcript variant (1).
Genome position (GRCh38, 1-based): chr9:95,915,797, C>G. VCF-style: chr9-95915797-C-G. GRCh37 (hg19) VCF-style: chr9-98678079-C-G.
Other names: c.918C>G, p.Asn306Lys (NM_001010895.4, NM_001375291.1, NM_001375292.1 and 2 more transcripts); short protein forms N306K.
Identifiers: ClinVar variation 4250551 (VCV004250551.1).